The following is an entry in ClinVar:

ClinVar aggregate classification (germline): Uncertain significance (1 of 4 stars; one submission).

Allele frequency attached by ClinVar (database versions not stated): TOPMed below 0.00001; ExAC 0.00001; gnomAD 0.00001.
gnomAD v4.1: 9 of 1,613,532 alleles (0.00056%); highest among the groups gnomAD compares: Admixed American, 0.013%; no homozygotes.

Submission:

Labcorp Genetics (formerly Invitae), Labcorp
Classification: Uncertain significance. Last evaluated: 2023-08-09. Review status: criteria provided, single submitter. Criteria: Invitae Variant Classification Sherloc (09022015). Collection method: clinical testing. Allele origin: germline.
Comment: In summary, the available evidence is currently insufficient to determine the role of this variant in disease. Therefore, it has been classified as a Variant of Uncertain Significance. Variants that disrupt the consensus splice site are a relatively common cause of aberrant splicing (PMID: 17576681, 9536098). Algorithms developed to predict the effect of sequence changes on RNA splicing suggest that this variant is not likely to affect RNA splicing. This variant has not been reported in the literature in individuals affected with XPO5-related conditions. This variant is present in population databases (rs770224285, gnomAD 0.02%). This sequence change falls in intron 2 of the XPO5 gene. It does not directly change the encoded amino acid sequence of the XPO5 protein. It affects a nucleotide within the consensus splice site.

Literature cited by the submitters: PubMed 17576681; PubMed 9536098.

NM_020750.3(XPO5):c.228-3C>T

Gene: XPO5 (exportin 5; minus strand). Cytogenetic location: 6p21.1.
Variant type: single nucleotide variant.
Coding change: c.228-3C>T on transcript NM_020750.3 (MANE Select); 3 bases into the intron before coding-DNA position 228, C replaced by T.
Molecular consequence: intron variant.
Genome position (GRCh38, 1-based): chr6:43,572,581, G>A on the plus strand (C>T on the coding strand, the complement: XPO5 is on the minus strand). VCF-style: chr6-43572581-G-A. GRCh37 (hg19) VCF-style: chr6-43540318-G-A.
Identifiers: ClinVar variation 2958927 (VCV002958927.3), dbSNP rs770224285, ClinGen allele CA3826770.